The following is an entry in ClinVar:

NM_003872.3(NRP2):c.1068C>T (p.Tyr356=)

Gene: NRP2 (neuropilin 2; plus strand). Cytogenetic location: 2q33.3.
Variant type: single nucleotide variant.
Coding change: c.1068C>T on transcript NM_003872.3 (MANE Select); coding-DNA position 1068, C replaced by T.
Protein change: p.Tyr356=; no amino-acid change (tyrosine 356 retained).
Molecular consequence: synonymous variant.
Genome position (GRCh38, 1-based): chr2:205,727,968, C>T. VCF-style: chr2-205727968-C-T. GRCh37 (hg19) VCF-style: chr2-206592692-C-T.
Other names: c.1068C>T, p.Tyr356= (NM_018534.4, NM_201264.2, NM_201266.2 and 2 more transcripts).
Identifiers: ClinVar variation 4981495 (VCV004981495.1).

ClinVar aggregate classification (germline): Likely benign (1 of 4 stars; one submission).

Conditions:
NRP2-related disorder. Also called: NRP2-related condition.

Submission:

PreventionGenetics, part of Exact Sciences
Classification: Likely benign for NRP2-related condition. Last evaluated: 2024-12-27. Review status: criteria provided, single submitter. Criteria: ACMG Guidelines, 2015. Collection method: clinical testing. Allele origin: germline.
Comment: This variant is classified as likely benign based on ACMG/AMP sequence variant interpretation guidelines (Richards et al. 2015 PMID: 25741868, with internal and published modifications).